The following is an entry in ClinVar:

ClinVar aggregate classification (germline): Uncertain significance (1 of 4 stars; one submission).

Conditions:
ACACB-related disorder. Also called: ACACB-related condition.

Allele frequency attached by ClinVar (database versions not stated): TOPMed below 0.00001; gnomAD 0.00001.
gnomAD v4.1: 1 of 1,613,732 alleles (0.000062%); highest among the groups gnomAD compares: African/African-American, 0.0013%; no homozygotes.

Submission:

PreventionGenetics, part of Exact Sciences
Classification: Uncertain significance for ACACB-related condition. Last evaluated: 2023-03-22. Review status: criteria provided, single submitter. Criteria: ACMG Guidelines, 2015. Collection method: clinical testing. Allele origin: germline.
Comment: The ACACB c.1734C>G variant is predicted to result in the amino acid substitution p.Phe578Leu. To our knowledge this variant has not been reported in the literature or in a large population database, indicating this variant is rare. However, a different nucleotide change causing the same amino acid change [c.1732T<C (p.Phe578Leu)] was documented in a patient with a cleft palate and was inherited from an unaffected father (Hoebel et al. 2017. PubMed ID: 28767323). At this time, the clinical significance of the c.1734C>G (p.Phe578Leu) variant is uncertain due to the absence of conclusive functional and genetic evidence.

NM_001093.4(ACACB):c.1734C>G (p.Phe578Leu)

Gene: ACACB (acetyl-CoA carboxylase beta; plus strand). Cytogenetic location: 12q24.11.
Variant type: single nucleotide variant.
Coding change: c.1734C>G on transcript NM_001093.4 (MANE Select); coding-DNA position 1734, C replaced by G.
Protein change: p.Phe578Leu; replaces phenylalanine 578 with leucine.
Molecular consequence: missense variant.
Genome position (GRCh38, 1-based): chr12:109,180,003, C>G. VCF-style: chr12-109180003-C-G. GRCh37 (hg19) VCF-style: chr12-109617808-C-G.
Other names: c.1734C>G, p.Phe578Leu (NM_001412734.1, NM_001412735.1); c.1128C>G, p.Phe376Leu (NM_001412736.1, NM_001412738.1, NM_001412739.1 and 2 more transcripts); c.1107C>G, p.Phe369Leu (NM_001412737.1); short protein forms F369L, F376L, F578L.
Identifiers: ClinVar variation 2633876 (VCV002633876.1), dbSNP rs1267228825, ClinGen allele CA386477771.